The following is an entry in ClinVar:

ClinVar aggregate classification (germline): Uncertain significance (1 of 4 stars; one submission).

Submission:

Labcorp Genetics (formerly Invitae), Labcorp
Classification: Uncertain significance. Last evaluated: 2022-10-21. Review status: criteria provided, single submitter. Criteria: Invitae Variant Classification Sherloc (09022015). Collection method: clinical testing. Allele origin: germline.
Comment: This variant, c.3124_3129del, results in the deletion of 2 amino acid(s) of the MTOR protein (p.Trp1042_Val1043del), but otherwise preserves the integrity of the reading frame. This variant is not present in population databases (gnomAD no frequency). In summary, the available evidence is currently insufficient to determine the role of this variant in disease. Therefore, it has been classified as a Variant of Uncertain Significance. Experimental studies and prediction algorithms are not available or were not evaluated, and the functional significance of this variant is currently unknown. This variant has not been reported in the literature in individuals affected with MTOR-related conditions.

NM_004958.4(MTOR):c.3124_3129del (p.Trp1042_Val1043del)

Gene: MTOR (mechanistic target of rapamycin kinase; minus strand). Cytogenetic location: 1p36.22.
Variant type: Deletion.
Coding change: c.3124_3129del on transcript NM_004958.4 (MANE Select); coding-DNA positions 3124 to 3129, 6 bases deleted (TGGGTC; older notation c.3124_3129delTGGGTC).
Protein change: p.Trp1042_Val1043del.
Molecular consequence: inframe deletion.
Genome position (GRCh38, 1-based): chr1:11,213,555-11,213,560, GACCCA deleted on the plus strand (TGGGTC on the coding strand, the reverse complement: MTOR is on the minus strand); deleting any 6 consecutive bases within chr1:11,213,555-11,213,562 gives the same sequence; the c. name uses the placement nearest the transcript's 3' end. VCF-style (leftmost placement, unchanged base first): chr1-11213554-TGACCCA-T. GRCh37 (hg19) VCF-style: chr1-11273611-TGACCCA-T.
Other names: c.3124_3129del, p.Trp1042_Val1043del (NM_001386500.1); c.1876_1881del, p.Trp626_Val627del (NM_001386501.1).
Identifiers: ClinVar variation 2036482 (VCV002036482.4), dbSNP rs2523120214, ClinGen allele CA2580061209.
Genomic context (GRCh38, chr1:11,213,554, plus strand): 5'-CAAGAGCTACCACAATTTGCTCAATGAGAAGAATGATCGTGCTCTGAATTGAGGTGTTCA[TGACCCA>T]GAATTCCTACAAAGAGAGAAAAGTCAGAGGAGCTGAGTCAGGTCCCTTTCTGATGATATA-3'